The following is an entry in ClinVar:

NM_000744.7(CHRNA4):c.1418G>A (p.Ser473Asn)

Gene: CHRNA4 (cholinergic receptor nicotinic alpha 4 subunit; minus strand). Cytogenetic location: 20q13.33.
Variant type: single nucleotide variant.
Coding change: c.1418G>A on transcript NM_000744.7 (MANE Select); coding-DNA position 1418, G replaced by A.
Protein change: p.Ser473Asn; replaces serine 473 with asparagine.
Molecular consequence: missense variant. On other transcripts: non-coding transcript variant (1).
Genome position (GRCh38, 1-based): chr20:63,349,993, C>T on the plus strand (G>A on the coding strand, the complement: CHRNA4 is on the minus strand). VCF-style: chr20-63349993-C-T. GRCh37 (hg19) VCF-style: chr20-61981345-C-T.
Other names: c.890G>A, p.Ser297Asn (NM_001256573.2); c.1418G>A (NM_000744.5); short protein forms S297N, S473N.
Identifiers: ClinVar variation 1032458 (VCV001032458.6), dbSNP rs2068560302, ClinGen allele CA409633673.

ClinVar aggregate classification (germline): Uncertain significance. Review status: criteria provided, multiple submitters, no conflicts (2 of 4 stars). 3 submissions from 3 submitters: Uncertain significance (3). Last evaluated 2022-05-15.

Conditions:
Familial sleep-related hypermotor epilepsy. Also called: Autosomal Dominant Sleep-Related Hypermotor (Hyperkinetic) Epilepsy. Identifiers: Orphanet 98784, MedGen C3696898, MONDO:0000030.
Inborn genetic diseases. Identifiers: MedGen C0950123, MeSH D030342.
Autosomal dominant nocturnal frontal lobe epilepsy 1. Also called: CHRNA4-Related Nocturnal Frontal Lobe Epilepsy, Autosomal Dominant; EPILEPSY, NOCTURNAL FRONTAL LOBE, TYPE 1. Identifiers: Orphanet 98784, MedGen C1838049, MONDO:0010899, OMIM 600513.

Allele frequency attached by ClinVar (database versions not stated): gnomAD exomes below 0.00001.
gnomAD v4.1: 1 of 1,549,878 alleles (0.000065%); highest among the groups gnomAD compares: Non-Finnish European, 0.000087%; no homozygotes.

Submissions (3):

Labcorp Genetics (formerly Invitae), Labcorp
Classification: Uncertain significance. Last evaluated: 2022-05-15. Review status: criteria provided, single submitter. Criteria: Invitae Variant Classification Sherloc (09022015). Collection method: clinical testing. Allele origin: germline.
Comment: In summary, the available evidence is currently insufficient to determine the role of this variant in disease. Therefore, it has been classified as a Variant of Uncertain Significance. Algorithms developed to predict the effect of missense changes on protein structure and function (SIFT, PolyPhen-2, Align-GVGD) all suggest that this variant is likely to be tolerated. ClinVar contains an entry for this variant (Variation ID: 1032458). This variant has not been reported in the literature in individuals affected with CHRNA4-related conditions. This variant is not present in population databases (gnomAD no frequency). This sequence change replaces serine, which is neutral and polar, with asparagine, which is neutral and polar, at codon 473 of the CHRNA4 protein (p.Ser473Asn).

Ambry Genetics
Classification: Uncertain significance for Inborn genetic diseases. Last evaluated: 2020-12-29. Review status: criteria provided, single submitter. Criteria: Ambry Variant Classification Scheme 2023. Collection method: clinical testing. Allele origin: germline.
Comment: The c.1418G>A (p.S473N) alteration is located in exon 5 (coding exon 5) of the CHRNA4 gene. This alteration results from a G to A substitution at nucleotide position 1418, causing the serine (S) at amino acid position 473 to be replaced by an asparagine (N). The p.S473N alteration is predicted to be tolerated by in silico analysis. Based on insufficient or conflicting evidence, the clinical significance of this alteration remains unclear.

Baylor Genetics
Classification: Uncertain significance for Autosomal dominant nocturnal frontal lobe epilepsy 1. Last evaluated: 2018-10-16. Review status: criteria provided, single submitter. Criteria: ACMG Guidelines, 2015. Collection method: clinical testing. Allele origin: maternal. Affected: yes.
Comment: This variant was determined to be of uncertain significance according to ACMG Guidelines, 2015 [PMID:25741868].